The following is an entry in ClinVar:

ClinVar aggregate classification (germline): Conflicting classifications of pathogenicity. Review status: criteria provided, conflicting classifications (1 of 4 stars). 3 submissions from 3 submitters: Uncertain significance (2); Likely benign (1). Last evaluated 2026-02-03.

Conditions:
Cardiovascular phenotype. Identifiers: MedGen CN230736.

Allele frequency attached by ClinVar (database versions not stated): TOPMed 0.00003; gnomAD 0.00006; gnomAD exomes 0.00007; ExAC 0.00010.
gnomAD v4.1: 113 of 1,613,248 alleles (0.007%); highest among the groups gnomAD compares: Middle Eastern, 0.12%; no homozygotes.

Submissions (3):

Women's Health and Genetics/Laboratory Corporation of America, LabCorp
Classification: Uncertain significance. Last evaluated: 2026-02-03. Review status: criteria provided, single submitter. Criteria: LabCorp Variant Classification Summary - May 2015. Collection method: clinical testing. Allele origin: germline.
Comment: Variant summary: TNXB c.6931G>A (p.Val2311Met) results in a conservative amino acid change in the encoded protein sequence. Algorithms developed to predict the effect of missense changes on protein structure and function all suggest that this variant is likely to be tolerated. The variant allele was found at a frequency of 9.3e-05 in 247026 control chromosomes. This frequency is not significantly higher than estimated for disease-causing variants in TNXB, allowing no conclusion about variant significance. To our knowledge, no occurrence of c.6931G>A in individuals affected with TNXB-related conditions and no experimental evidence demonstrating its impact on protein function have been reported. ClinVar contains an entry for this variant (Variation ID: 2442612). Based on the evidence outlined above, the variant was classified as uncertain significance.

Ambry Genetics
Classification: Likely benign for Cardiovascular phenotype. Last evaluated: 2025-04-03. Review status: criteria provided, single submitter. Criteria: Ambry Variant Classification Scheme 2023. Collection method: clinical testing. Allele origin: germline.

GeneDx
Classification: Uncertain significance. Last evaluated: 2023-03-06. Review status: criteria provided, single submitter. Criteria: GeneDx Variant Classification Process June 2021. Collection method: clinical testing. Allele origin: germline. Affected: yes.
Comment: Has not been previously published as pathogenic or benign to our knowledge; In silico analysis supports that this missense variant does not alter protein structure/function

NM_001365276.2(TNXB):c.6931G>A (p.Val2311Met)

Gene: TNXB (tenascin XB; minus strand). Cytogenetic location: 6p21.33.
Variant type: single nucleotide variant.
Coding change: c.6931G>A on transcript NM_001365276.2 (MANE Select); coding-DNA position 6931, G replaced by A.
Protein change: p.Val2311Met; replaces valine 2311 with methionine.
Molecular consequence: missense variant.
Genome position (GRCh38, 1-based): chr6:32,062,394, C>T on the plus strand (G>A on the coding strand, the complement: TNXB is on the minus strand). VCF-style: chr6-32062394-C-T. GRCh37 (hg19) VCF-style: chr6-32030171-C-T.
Other names: c.6931G>A, p.Val2311Met (NM_019105.8); short protein forms V2311M.
Identifiers: ClinVar variation 2442612 (VCV002442612.3), dbSNP rs777077674, ClinGen allele CA3734294.